The following is an entry in ClinVar:

ClinVar aggregate classification (germline): Pathogenic/Likely pathogenic. Review status: criteria provided, multiple submitters, no conflicts (2 of 4 stars). 4 submissions from 4 submitters: Pathogenic (1); Likely pathogenic (2). 1 of the submissions does not count toward it. Last evaluated 2026-01-08.

Conditions:
Bethlem myopathy 1C (BTHLM1C). Identifiers: MedGen C5935581, MONDO:0958234, OMIM 620726.
Bethlem myopathy 1A. Also called: Bethlem Muscular Dystrophy; Bethlem myopathy 1; MYOPATHY, BENIGN CONGENITAL, WITH CONTRACTURES. Identifiers: Orphanet 610, MedGen CN029274, MONDO:0024530, OMIM 158810.

Submissions (4):

3billion
Classification: Likely pathogenic for Bethlem myopathy 1C. Last evaluated: 2026-01-08. Review status: criteria provided, single submitter. Criteria: ACMG Guidelines, 2015. Collection method: clinical testing. Allele origin: germline. Affected: yes.
Comment: The variant is not observed in the gnomAD v4.1.0 dataset. Predicted Consequence/Location: Missense variant. The majority of the known disease-causing variants of this gene are variants expected to result in premature termination of the protein. In silico tool predictions suggest damaging effect of the variant on gene or gene product [REVEL: 0.93 (>=0.6, sensitivity 0.68 and specificity 0.92)]. The same nucleotide change resulting in the same amino acid change has been previously reported as pathogenic/likely pathogenic with strong evidence (ClinVar ID: VCV000017149 /PMID: 9536084).Different missense changes at the same codon (p.Gly1679Arg, p.Gly1679Trp) have been reported to be associated with COL6A3-related disorder (ClinVar ID: VCV001517059 /PMID: 24271325). Therefore, this variant is classified as Likely pathogenic according to the recommendation of ACMG/AMP guideline.

Labcorp Genetics (formerly Invitae), Labcorp
Classification: Pathogenic for Bethlem myopathy 1A. Last evaluated: 2024-08-28. Review status: criteria provided, single submitter. Criteria: Invitae Variant Classification Sherloc (09022015). Collection method: clinical testing. Allele origin: germline.
Comment: This sequence change replaces glycine, which is neutral and non-polar, with glutamic acid, which is acidic and polar, at codon 1679 of the COL6A3 protein (p.Gly1679Glu). This variant is not present in population databases (gnomAD no frequency). This missense change has been observed in individuals with autosomal dominant Bethlem myopathy (PMID: 9536084, 15689448). It has also been observed to segregate with disease in related individuals. ClinVar contains an entry for this variant (Variation ID: 17149). Invitae Evidence Modeling of protein sequence and biophysical properties (such as structural, functional, and spatial information, amino acid conservation, physicochemical variation, residue mobility, and thermodynamic stability) indicates that this missense variant is expected to disrupt COL6A3 protein function with a positive predictive value of 80%. For these reasons, this variant has been classified as Pathogenic.

Eurofins Ntd Llc (ga)
Classification: Likely pathogenic. Last evaluated: 2016-09-23. Review status: criteria provided, single submitter. Criteria: EGL Classification Definitions. Collection method: clinical testing. Allele origin: germline. Observed: 4 variant alleles, 4 heterozygotes.

OMIM
Classification: Pathogenic for BETHLEM MYOPATHY 1C, AUTOSOMAL DOMINANT. Last evaluated: 1998-05-01. Review status: no assertion criteria provided. Collection method: literature only. Allele origin: germline. Not counted in ClinVar's aggregate classification.

Literature cited by the submitters: PubMed 24271325 (cited by 3billion); PubMed 9536084 (cited by 3 submitters); PubMed 15689448 (cited by Labcorp Genetics (formerly Invitae), Labcorp); PubMed 3352914 (cited by OMIM); PubMed 8817344 (cited by OMIM).

NM_004369.4(COL6A3):c.5036G>A (p.Gly1679Glu)

Gene: COL6A3 (collagen type VI alpha 3 chain; minus strand). Cytogenetic location: 2q37.3.
Variant type: single nucleotide variant.
Coding change: c.5036G>A on transcript NM_004369.4 (MANE Select); coding-DNA position 5036, G replaced by A.
Protein change: p.Gly1679Glu; replaces glycine 1679 with glutamic acid.
Molecular consequence: missense variant.
Genome position (GRCh38, 1-based): chr2:237,367,151, C>T on the plus strand (G>A on the coding strand, the complement: COL6A3 is on the minus strand). VCF-style: chr2-237367151-C-T. GRCh37 (hg19) VCF-style: chr2-238275794-C-T.
Other names: c.3215G>A, p.Gly1072Glu (NM_057166.5); c.4418G>A, p.Gly1473Glu (NM_057167.4); short protein forms G1679E, G1072E, G1473E.
Identifiers: ClinVar variation 17149 (VCV000017149.19), dbSNP rs121434553, ClinGen allele CA239569.